The following is an entry in ClinVar:

NM_018075.5(ANO10):c.473-1G>A

Gene: ANO10 (anoctamin 10; minus strand). Cytogenetic location: 3p22.1.
Variant type: single nucleotide variant.
Coding change: c.473-1G>A on transcript NM_018075.5 (MANE Select); the canonical splice acceptor site of the intron before coding-DNA position 473, G replaced by A.
Molecular consequence: splice acceptor variant.
Genome position (GRCh38, 1-based): chr3:43,580,473, C>T on the plus strand (G>A on the coding strand, the complement: ANO10 is on the minus strand). VCF-style: chr3-43580473-C-T. GRCh37 (hg19) VCF-style: chr3-43621965-C-T.
Other names: c.275-1G>A (NM_001346469.2, NM_001204832.3, NM_001346466.2); c.473-1G>A (NM_001346468.2, NM_001204834.3, NM_001346465.2 and 5 more transcripts); c.140-1G>A (NM_001204833.3).
Identifiers: ClinVar variation 2955146 (VCV002955146.13), dbSNP rs2529446712, ClinGen allele CA352344663.

ClinVar aggregate classification (germline): Likely pathogenic. Review status: criteria provided, multiple submitters, no conflicts (2 of 4 stars). 5 submissions from 5 submitters: Likely pathogenic (5). Last evaluated 2026-08-01.

Conditions:
Autosomal recessive spinocerebellar ataxia 10. Identifiers: Orphanet 284289, MedGen C3150998, MONDO:0013392, OMIM 613728.

Allele frequency attached by ClinVar (database versions not stated): gnomAD exomes 0.00001.
gnomAD v4.1: 11 of 1,613,442 alleles (0.00068%); highest among the groups gnomAD compares: Non-Finnish European, 0.00093%; no homozygotes.

Submissions (5):

CeGaT Center for Human Genetics Tuebingen
Classification: Likely pathogenic. Last evaluated: 2026-08-01. Review status: criteria provided, single submitter. Criteria: CeGaT Center For Human Genetics Tuebingen Variant Classification Criteria Version 2. Collection method: clinical testing. Allele origin: germline. Affected: yes. Observed: 2 variant alleles.
Comment: ANO10: PM2, PM3, PVS1:Moderate

Myriad Genetics, Inc.
Classification: Likely pathogenic for Autosomal recessive spinocerebellar ataxia 10. Last evaluated: 2026-04-15. Review status: criteria provided, single submitter. Criteria: Myriad Autosomal Dominant, Autosomal Recessive and X-Linked Classification Criteria (2023). Collection method: clinical testing. Allele origin: unknown.
Comment: NM_018075.3(ANO10):c.473-1G>A is a variant in a canonical splice site classified as likely pathogenic in the context of spinocerebellar ataxia, ANO10-related. c.473-1G>A has not been observed in cases with relevant disease. Relevant functional assessments of this variant are not available in the literature. Internal structural analysis of the variant is supportive of pathogenicity. c.473-1G>A has not been observed in referenced population frequency databases. In summary, NM_018075.3(ANO10):c.473-1G>A is a variant in a canonical splice site in a gene where loss of function is a known mechanism of disease and is predicted to disrupt protein function. Please note: this variant was assessed in the context of healthy population screening.

Athena Diagnostics
Classification: Likely pathogenic. Last evaluated: 2024-12-31. Review status: criteria provided, single submitter. Criteria: Athena Diagnostics Criteria. Collection method: clinical testing. Allele origin: unknown.
Comment: This variant has not been reported in large, multi-ethnic general populations. This variant has been identified in at least one individual with clinical features associated with this gene. This variant is expected to maintain the transcript reading frame. However, it may still disrupt protein function. Computational tools yielded predictions that this variant may interfere with normal RNA splicing.

Fulgent Genetics
Classification: Likely pathogenic for Autosomal recessive spinocerebellar ataxia 10. Last evaluated: 2024-05-31. Review status: criteria provided, single submitter. Criteria: ACMG Guidelines, 2015. Collection method: clinical testing. Allele origin: germline.

Labcorp Genetics (formerly Invitae), Labcorp
Classification: Likely pathogenic. Last evaluated: 2023-04-03. Review status: criteria provided, single submitter. Criteria: Invitae Variant Classification Sherloc (09022015). Collection method: clinical testing. Allele origin: germline.
Comment: In summary, the currently available evidence indicates that the variant is pathogenic, but additional data are needed to prove that conclusively. Therefore, this variant has been classified as Likely Pathogenic. Algorithms developed to predict the effect of sequence changes on RNA splicing suggest that this variant may disrupt the consensus splice site. This variant has not been reported in the literature in individuals affected with ANO10-related conditions. This variant is not present in population databases (gnomAD no frequency). This sequence change affects an acceptor splice site in intron 4 of the ANO10 gene. It is expected to disrupt RNA splicing. Variants that disrupt the donor or acceptor splice site typically lead to a loss of protein function (PMID: 16199547), and loss-of-function variants in ANO10 are known to be pathogenic (PMID: 25089919).

Literature cited by the submitters: PubMed 16199547 (cited by Labcorp Genetics (formerly Invitae), Labcorp); PubMed 25089919 (cited by Labcorp Genetics (formerly Invitae), Labcorp).